The following is an entry in ClinVar:

ClinVar aggregate classification (germline): Likely pathogenic (1 of 4 stars; one submission).

Conditions:
Severe combined immunodeficiency due to DCLRE1C deficiency (RS-SCID). Also called: SCID, AUTOSOMAL RECESSIVE, T CELL-NEGATIVE, B CELL-NEGATIVE, NK CELL-POSITIVE, WITH SENSITIVITY TO IONIZING RADIATION. Identifiers: Orphanet 275, MedGen C1865371, MONDO:0011225, OMIM 602450.

Submission:

Labcorp Genetics (formerly Invitae), Labcorp
Classification: Likely pathogenic for Severe combined immunodeficiency with sensitivity to ionizing radiation. Last evaluated: 2018-11-30. Review status: criteria provided, single submitter. Criteria: Invitae Variant Classification Sherloc (09022015). Collection method: clinical testing. Allele origin: germline.
Comment: This variant is a complex sequence change that replaces 2 amino acids of the DCLRE1C protein (p.Thr167_Phe168delinsMetLeu), but otherwise preserves the integrity of the reading frame. This variant is not present in population databases (ExAC no frequency). This finding is consistent with autosomal recessive inheritance, and suggests that this variant contributes to disease. Experimental studies performed in cells derived from a patient carrying this variant indicates that protein function is disrupted (external communication). In summary, the currently available evidence indicates that the variant is pathogenic, but additional data are needed to prove that conclusively. Therefore, this variant has been classified as Likely Pathogenic.

NM_001033855.3(DCLRE1C):c.492_504delinsAGATACTATGTTG (p.Thr167_Phe168delinsMetLeu)

Gene: DCLRE1C (DNA cross-link repair 1C; minus strand). Cytogenetic location: 10p13.
Variant type: Indel.
Coding change: c.492_504delinsAGATACTATGTTG on transcript NM_001033855.3 (MANE Select); coding-DNA positions 492 to 504, GGATACTACGTTC replaced by AGATACTATGTTG.
Protein change: p.Thr167_Phe168delinsMetLeu.
Molecular consequence: missense variant. On other transcripts: non-coding transcript variant (4).
Genome position (GRCh38, 1-based): chr10:14,934,736-14,934,748, GAACGTAGTATCC replaced by CAACATAGTATCT on the plus strand (GGATACTACGTTC replaced by AGATACTATGTTG on the coding strand, the reverse complement: DCLRE1C is on the minus strand). VCF-style: chr10-14934736-GAACGTAGTATCC-CAACATAGTATCT. GRCh37 (hg19) VCF-style: chr10-14976735-GAACGTAGTATCC-CAACATAGTATCT.
Other names: c.132_144delinsAGATACTATGTTG, p.Thr47_Phe48delinsMetLeu (NM_001033857.3, NM_001033858.3, NM_001289077.2 and 2 more transcripts); c.147_159delinsAGATACTATGTTG, p.Thr52_Phe53delinsMetLeu (NM_001289076.2, NM_001289078.2, NM_001350966.2 and 1 more transcripts); c.492_504delinsAGATACTATGTTG, p.Thr167_Phe168delinsMetLeu (NM_001350965.2).
Identifiers: ClinVar variation 649045 (VCV000649045.1), dbSNP rs1589064324, ClinGen allele CA915945855.